The following is an entry in ClinVar:

NM_001127198.5(TMC6):c.2349G>T (p.Arg783Ser)

Gene: TMC6 (transmembrane channel like 6; minus strand). Cytogenetic location: 17q25.3.
Variant type: single nucleotide variant.
Coding change: c.2349G>T on transcript NM_001127198.5 (MANE Select); coding-DNA position 2349, G replaced by T.
Protein change: p.Arg783Ser; replaces arginine 783 with serine.
Molecular consequence: missense variant. On other transcripts: non-coding transcript variant (4).
Genome position (GRCh38, 1-based): chr17:78,113,553, C>A on the plus strand (G>T on the coding strand, the complement: TMC6 is on the minus strand). VCF-style: chr17-78113553-C-A. GRCh37 (hg19) VCF-style: chr17-76109634-C-A.
Other names: c.2349G>T, p.Arg783Ser (NM_001321185.1, NM_001374596.1, NM_001375353.1 and 2 more transcripts); c.2169G>T, p.Arg723Ser (NM_001374593.1, NM_001374594.1); short protein forms R723S, R783S.
Identifiers: ClinVar variation 2145717 (VCV002145717.4), dbSNP rs189863331, ClinGen allele CA8795318.

ClinVar aggregate classification (germline): Uncertain significance (1 of 4 stars; one submission).

Conditions:
Epidermodysplasia verruciformis. Identifiers: Orphanet 302, MedGen C0014522, MONDO:0009176.

Allele frequency attached by ClinVar (database versions not stated): TOPMed below 0.00001; gnomAD 0.00001; ExAC 0.00002; gnomAD exomes 0.00005; 1000 Genomes Project 30x 0.00016; 1000 Genomes Project 0.00020.
gnomAD v4.1: 74 of 1,614,000 alleles (0.0046%); highest among the groups gnomAD compares: East Asian, 0.16%; 1 homozygote.

Submission:

Labcorp Genetics (formerly Invitae), Labcorp
Classification: Uncertain significance for Epidermodysplasia verruciformis. Last evaluated: 2022-06-28. Review status: criteria provided, single submitter. Criteria: Invitae Variant Classification Sherloc (09022015). Collection method: clinical testing. Allele origin: germline.
Comment: This sequence change replaces arginine, which is basic and polar, with serine, which is neutral and polar, at codon 783 of the TMC6 protein (p.Arg783Ser). This variant is present in population databases (rs189863331, gnomAD 0.01%). This variant has not been reported in the literature in individuals affected with TMC6-related conditions. Algorithms developed to predict the effect of missense changes on protein structure and function are either unavailable or do not agree on the potential impact of this missense change (SIFT: "Not Available"; PolyPhen-2: "Benign"; Align-GVGD: "Not Available"). In summary, the available evidence is currently insufficient to determine the role of this variant in disease. Therefore, it has been classified as a Variant of Uncertain Significance.